The following is an entry in ClinVar:

ClinVar aggregate classification (germline): Likely benign. Review status: criteria provided, multiple submitters, no conflicts (2 of 4 stars). 2 submissions from 2 submitters: Likely benign (2). Last evaluated 2018-06-18.

Allele frequency attached by ClinVar (database versions not stated): gnomAD 0.00879 and 0.00944; 1000 Genomes Project 0.00899; 1000 Genomes Project 30x 0.00968; TOPMed 0.00980.
gnomAD v4.1: 2,195 of 896,798 alleles (0.24%); highest among the groups gnomAD compares: African/African-American, 2.8%; 30 homozygotes.

Submissions (2):

GeneDx
Classification: Likely benign. Last evaluated: 2018-06-18. Review status: criteria provided, single submitter. Criteria: GeneDx Variant Classification (06012015). Collection method: clinical testing. Allele origin: germline. Affected: yes.
Comment: This variant is considered likely benign or benign based on one or more of the following criteria: it is a conservative change, it occurs at a poorly conserved position in the protein, it is predicted to be benign by multiple in silico algorithms, and/or has population frequency not consistent with disease.

Breakthrough Genomics
Classification: Likely benign. Review status: criteria provided, single submitter. Criteria: ACMG Guidelines, 2015. Collection method: not provided. Allele origin: germline. Inheritance: Autosomal recessive inheritance. Affected: yes.

NM_016169.4(SUFU):c.455-143C>T

Gene: SUFU (SUFU negative regulator of hedgehog signaling; plus strand). Cytogenetic location: 10q24.32.
Variant type: single nucleotide variant.
Coding change: c.455-143C>T on transcript NM_016169.4 (MANE Select); 143 bases into the intron before coding-DNA position 455, C replaced by T.
Molecular consequence: intron variant.
Genome position (GRCh38, 1-based): chr10:102,592,439, C>T. VCF-style: chr10-102592439-C-T. GRCh37 (hg19) VCF-style: chr10-104352196-C-T.
Other names: c.455-143C>T (NM_001178133.2).
Identifiers: ClinVar variation 679373 (VCV000679373.2), dbSNP rs73338680, ClinGen allele CA212265528.